The following is an entry in ClinVar:

NM_003632.3(CNTNAP1):c.3089G>A (p.Arg1030Gln)

Gene: CNTNAP1 (contactin associated protein 1; plus strand). Cytogenetic location: 17q21.2.
Variant type: single nucleotide variant.
Coding change: c.3089G>A on transcript NM_003632.3 (MANE Select); coding-DNA position 3089, G replaced by A.
Protein change: p.Arg1030Gln; replaces arginine 1030 with glutamine.
Molecular consequence: missense variant.
Genome position (GRCh38, 1-based): chr17:42,695,617, G>A. VCF-style: chr17-42695617-G-A. GRCh37 (hg19) VCF-style: chr17-40847635-G-A.
Other names: short protein forms R1030Q.
Identifiers: ClinVar variation 1959621 (VCV001959621.5), dbSNP rs138718781, ClinGen allele CA8582241.

ClinVar aggregate classification (germline): Uncertain significance (1 of 4 stars; one submission).

Allele frequency attached by ClinVar (database versions not stated): gnomAD exomes below 0.00001; gnomAD 0.00001; TOPMed 0.00001; ExAC 0.00002; ESP Exome Variant Server 0.00015.

Submission:

Labcorp Genetics (formerly Invitae), Labcorp
Classification: Uncertain significance. Last evaluated: 2022-05-25. Review status: criteria provided, single submitter. Criteria: Invitae Variant Classification Sherloc (09022015). Collection method: clinical testing. Allele origin: germline.
Comment: This variant has not been reported in the literature in individuals affected with CNTNAP1-related conditions. In summary, the available evidence is currently insufficient to determine the role of this variant in disease. Therefore, it has been classified as a Variant of Uncertain Significance. Algorithms developed to predict the effect of missense changes on protein structure and function (SIFT, PolyPhen-2, Align-GVGD) all suggest that this variant is likely to be tolerated. This variant is present in population databases (rs138718781, gnomAD 0.007%). This sequence change replaces arginine, which is basic and polar, with glutamine, which is neutral and polar, at codon 1030 of the CNTNAP1 protein (p.Arg1030Gln).